The following is an entry in ClinVar:

NM_031407.7(HUWE1):c.2272A>G (p.Thr758Ala)

Gene: HUWE1 (HECT, UBA and WWE domain containing E3 ubiquitin protein ligase 1; minus strand). Cytogenetic location: Xp11.22.
Variant type: single nucleotide variant.
Coding change: c.2272A>G on transcript NM_031407.7 (MANE Select); coding-DNA position 2272, A replaced by G.
Protein change: p.Thr758Ala; replaces threonine 758 with alanine.
Molecular consequence: missense variant.
Genome position (GRCh38, 1-based): chrX:53,608,899, T>C on the plus strand (A>G on the coding strand, the complement: HUWE1 is on the minus strand). VCF-style: chrX-53608899-T-C. GRCh37 (hg19) VCF-style: chrX-53635860-T-C.
Other names: short protein forms T758A.
Identifiers: ClinVar variation 1308145 (VCV001308145.3), dbSNP rs2148720787, ClinGen allele CA413182158.

ClinVar aggregate classification (germline): Uncertain significance (1 of 4 stars; one submission).

gnomAD v4.1: 1 of 1,152,411 alleles (0.000087%); highest among the groups gnomAD compares: Non-Finnish European, 0.00012%; no homozygotes.

Submission:

GeneDx
Classification: Uncertain significance. Last evaluated: 2026-10-03. Review status: criteria provided, single submitter. Criteria: GeneDx Variant Classification Process June 2021. Collection method: clinical testing. Allele origin: germline.
Comment: Not observed at significant frequency in large population cohorts (gnomAD); In silico analysis suggests that this missense variant does not alter protein structure/function; Has not been previously published as pathogenic or benign to our knowledge